The following is an entry in ClinVar:

ClinVar aggregate classification (germline): Uncertain significance. Review status: criteria provided, multiple submitters, no conflicts (2 of 4 stars). 2 submissions from 2 submitters: Uncertain significance (2). Last evaluated 2024-03-19.

Conditions:
Arrhythmogenic right ventricular dysplasia 10. Also called: Arrhythmogenic right ventricular dysplasia/cardiomyopathy, type 10; Arrhythmogenic Right Ventricular Dysplasia/Cardiomyopathy10; ARRHYTHMOGENIC RIGHT VENTRICULAR DYSPLASIA, FAMILIAL, 10. Identifiers: MedGen C1857777, MONDO:0012434, OMIM 610193.
Cardiovascular phenotype. Identifiers: MedGen CN230736.

Submissions (2):

Ambry Genetics
Classification: Uncertain significance for Cardiovascular phenotype. Last evaluated: 2024-03-19. Review status: criteria provided, single submitter. Criteria: Ambry Variant Classification Scheme 2023. Collection method: clinical testing. Allele origin: germline.
Comment: The p.D509E variant (also known as c.1527T>A), located in coding exon 11 of the DSG2 gene, results from a T to A substitution at nucleotide position 1527. The aspartic acid at codon 509 is replaced by glutamic acid, an amino acid with highly similar properties. This amino acid position is conserved. In addition, this alteration is predicted to be tolerated by in silico analysis. Based on the available evidence, the clinical significance of this alteration remains unclear.

Labcorp Genetics (formerly Invitae), Labcorp
Classification: Uncertain significance for Arrhythmogenic right ventricular dysplasia 10. Last evaluated: 2023-01-23. Review status: criteria provided, single submitter. Criteria: Invitae Variant Classification Sherloc (09022015). Collection method: clinical testing. Allele origin: germline.
Comment: This sequence change replaces aspartic acid, which is acidic and polar, with glutamic acid, which is acidic and polar, at codon 509 of the DSG2 protein (p.Asp509Glu). In summary, the available evidence is currently insufficient to determine the role of this variant in disease. Therefore, it has been classified as a Variant of Uncertain Significance. Advanced modeling of protein sequence and biophysical properties (such as structural, functional, and spatial information, amino acid conservation, physicochemical variation, residue mobility, and thermodynamic stability) performed at Invitae indicates that this missense variant is not expected to disrupt DSG2 protein function. This variant has not been reported in the literature in individuals affected with DSG2-related conditions. This variant is not present in population databases (gnomAD no frequency).

NM_001943.5(DSG2):c.1527T>A (p.Asp509Glu)

Gene: DSG2 (desmoglein 2; plus strand). Cytogenetic location: 18q12.1.
Variant type: single nucleotide variant.
Coding change: c.1527T>A on transcript NM_001943.5 (MANE Select); coding-DNA position 1527, T replaced by A.
Protein change: p.Asp509Glu; replaces aspartic acid 509 with glutamic acid.
Molecular consequence: missense variant.
Genome position (GRCh38, 1-based): chr18:31,536,305, T>A. VCF-style: chr18-31536305-T-A. GRCh37 (hg19) VCF-style: chr18-29116268-T-A.
Other names: short protein forms D509E.
Identifiers: ClinVar variation 2892642 (VCV002892642.4), dbSNP rs754661686, ClinGen allele CA297741511.